The following is an entry in ClinVar:

NM_016373.4(WWOX):c.167C>T (p.Ala56Val)

Gene: WWOX (WW domain containing oxidoreductase; plus strand). Cytogenetic location: 16q23.1.
Variant type: single nucleotide variant.
Coding change: c.167C>T on transcript NM_016373.4 (MANE Select); coding-DNA position 167, C replaced by T.
Protein change: p.Ala56Val; replaces alanine 56 with valine.
Molecular consequence: missense variant. On other transcripts: non-coding transcript variant (1), intron variant (1).
Genome position (GRCh38, 1-based): chr16:78,108,482, C>T. VCF-style: chr16-78108482-C-T. GRCh37 (hg19) VCF-style: chr16-78142379-C-T.
Other names: c.167C>T, p.Ala56Val (NM_130791.5); c.-167-1296C>T (NM_001291997.2); short protein forms A56V.
Identifiers: ClinVar variation 651631 (VCV000651631.6), dbSNP rs530912550, ClinGen allele CA8183035.

ClinVar aggregate classification (germline): Uncertain significance (1 of 4 stars; one submission).

Conditions:
Autosomal recessive spinocerebellar ataxia 12. Also called: SPINOCEREBELLAR ATAXIA WITH MENTAL RETARDATION AND EPILEPSY. Identifiers: Orphanet 284282, MedGen C3280452, MONDO:0013687, OMIM 614322.
Developmental and epileptic encephalopathy, 1 (DEE1). Also called: INFANTILE SPASM SYNDROME, X-LINKED 1; Epileptic encephalopathy, early infantile, 1; X-linked infantile spasms; West's syndrome; Tonic spasms with clustering, arrest of psychomotor development and hypsarrhythmia on EEG; X-Linked Infantile Spasm Syndrome. Identifiers: MedGen C3463992, MONDO:0010632, OMIM 308350. Disease mechanism: loss of function.

Allele frequency attached by ClinVar (database versions not stated): gnomAD exomes 0.00005 and 0.00009; gnomAD 0.00006; TOPMed 0.00006; ExAC 0.00007.
gnomAD v4.1: 83 of 1,613,396 alleles (0.0051%); highest among the groups gnomAD compares: African/African-American, 0.0067%; no homozygotes.

Submission:

Labcorp Genetics (formerly Invitae), Labcorp
Classification: Uncertain significance for Developmental and epileptic encephalopathy, 1; Autosomal recessive spinocerebellar ataxia 12. Last evaluated: 2022-07-06. Review status: criteria provided, single submitter. Criteria: Invitae Variant Classification Sherloc (09022015). Collection method: clinical testing. Allele origin: germline.
Comment: This sequence change replaces alanine, which is neutral and non-polar, with valine, which is neutral and non-polar, at codon 56 of the WWOX protein (p.Ala56Val). This variant is present in population databases (rs530912550, gnomAD 0.1%). This variant has not been reported in the literature in individuals affected with WWOX-related conditions. ClinVar contains an entry for this variant (Variation ID: 651631). Algorithms developed to predict the effect of missense changes on protein structure and function are either unavailable or do not agree on the potential impact of this missense change (SIFT: "Not Available"; PolyPhen-2: "Benign"; Align-GVGD: "Not Available"). Algorithms developed to predict the effect of sequence changes on RNA splicing suggest that this variant may create or strengthen a splice site. In summary, the available evidence is currently insufficient to determine the role of this variant in disease. Therefore, it has been classified as a Variant of Uncertain Significance.